The following is an entry in ClinVar:

ClinVar aggregate classification (germline): Uncertain significance. Review status: criteria provided, multiple submitters, no conflicts (2 of 4 stars). 2 submissions from 2 submitters: Uncertain significance (2). Last evaluated 2025-05-13.

Conditions:
Hereditary cancer-predisposing syndrome. Also called: Hereditary Cancer Syndrome; Hereditary neoplastic syndrome; Tumor predisposition; Neoplastic Syndromes, Hereditary. Identifiers: Orphanet 140162, MedGen C0027672, MeSH D009386, MONDO:0015356.
Cardiovascular phenotype. Identifiers: MedGen CN230736.

Allele frequency attached by ClinVar (database versions not stated): gnomAD 0.00001; TOPMed 0.00001.

Submissions (2):

Labcorp Genetics (formerly Invitae), Labcorp
Classification: Uncertain significance. Last evaluated: 2025-05-13. Review status: criteria provided, single submitter. Criteria: Invitae Variant Classification Sherloc (09022015). Collection method: clinical testing. Allele origin: germline.
Comment: This sequence change creates a premature translational stop signal (p.Leu812*) in the LZTR1 gene. While this is not anticipated to result in nonsense mediated decay, it is expected to disrupt the last 29 amino acid(s) of the LZTR1 protein. This variant is present in population databases (no rsID available, gnomAD 0.007%). This variant has not been reported in the literature in individuals affected with LZTR1-related conditions. ClinVar contains an entry for this variant (Variation ID: 1791194). This variant disrupts a region of the LZTR1 protein in which other variant(s) (p.Ile821Thr) have been observed in individuals with LZTR1-related conditions (PMID: 29469822, 30481304). This suggests that this is a clinically significant region of the protein, and that variants that disrupt it are likely to be disease-causing. In summary, the available evidence is currently insufficient to determine the role of this variant in disease. Therefore, it has been classified as a Variant of Uncertain Significance.

Ambry Genetics
Classification: Uncertain significance for Cardiovascular phenotype; Hereditary cancer-predisposing syndrome. Last evaluated: 2025-05-10. Review status: criteria provided, single submitter. Criteria: Ambry Variant Classification Scheme 2023. Collection method: clinical testing. Allele origin: germline.
Comment: The c.2433delG variant, located in coding exon 21 of the LZTR1 gene, results from a deletion of one nucleotide at nucleotide position 2433, causing a translational frameshift with a predicted alternate stop codon (p.L812*). This alteration occurs at the 3' terminus of theLZTR1 gene, is not expected to trigger nonsense-mediated mRNAdecay, and impacts the last 3.4% of the protein. The exact functional effect of this alteration is unknown. Based on the available evidence, the clinical significance of this variant remains unclear.

Literature cited by the submitters: PubMed 29469822 (cited by Labcorp Genetics (formerly Invitae), Labcorp); PubMed 30481304 (cited by Labcorp Genetics (formerly Invitae), Labcorp).

NM_006767.4(LZTR1):c.2433del (p.Ser811_Leu812insTer)

Gene: LZTR1 (leucine zipper like post translational regulator 1; plus strand). Cytogenetic location: 22q11.21.
Variant type: Deletion.
Coding change: c.2433del on transcript NM_006767.4 (MANE Select); coding-DNA position 2433, one base deleted (G; older notation c.2433delG).
Protein change: p.Ser811_Leu812insTer.
Molecular consequence: frameshift variant.
Genome position (GRCh38, 1-based): chr22:20,997,258, G deleted. VCF-style (leftmost placement, unchanged base first): chr22-20997257-CG-C. GRCh37 (hg19) VCF-style: chr22-21351546-CG-C.
Identifiers: ClinVar variation 1791194 (VCV001791194.8), dbSNP rs1569158629, ClinGen allele CA638550501.
Genomic context (GRCh38, chr22:20,997,257, plus strand): 5'-TGGTCCCATCTCCTTCCGGCCTGCTTGCCTTACAGGTCTCCAAGTTGCCCACCCTGCGGT[CG>C]CTGAGCCAGCAGCTGCTGCTGGACATCATAGACTCCCTGGCCTCCCACATCTCAGACAAG-3'